The following is an entry in ClinVar:

NM_015404.4(WHRN):c.1468C>T (p.Arg490Cys)

Gene: WHRN (whirlin; minus strand). Cytogenetic location: 9q32.
Variant type: single nucleotide variant.
Coding change: c.1468C>T on transcript NM_015404.4 (MANE Select); coding-DNA position 1468, C replaced by T.
Protein change: p.Arg490Cys; replaces arginine 490 with cysteine.
Molecular consequence: missense variant.
Genome position (GRCh38, 1-based): chr9:114,423,472, G>A on the plus strand (C>T on the coding strand, the complement: WHRN is on the minus strand). VCF-style: chr9-114423472-G-A. GRCh37 (hg19) VCF-style: chr9-117185752-G-A.
Other names: c.319C>T, p.Arg107Cys (NM_001083885.3); c.1468C>T, p.Arg490Cys (NM_001173425.2); c.415C>T, p.Arg139Cys (NM_001346890.1); short protein forms R107C, R139C, R490C.
Identifiers: ClinVar variation 1004358 (VCV001004358.6), dbSNP rs769494605, ClinGen allele CA5205941.

ClinVar aggregate classification (germline): Uncertain significance (1 of 4 stars; one submission).

Allele frequency attached by ClinVar (database versions not stated): gnomAD 0.00001; TOPMed 0.00002; gnomAD exomes 0.00002; ExAC 0.00002.
gnomAD v4.1: 27 of 1,613,184 alleles (0.0017%); highest among the groups gnomAD compares: South Asian, 0.0033%; 1 homozygote.

Submission:

Labcorp Genetics (formerly Invitae), Labcorp
Classification: Uncertain significance. Last evaluated: 2022-06-14. Review status: criteria provided, single submitter. Criteria: Invitae Variant Classification Sherloc (09022015). Collection method: clinical testing. Allele origin: germline.
Comment: This sequence change replaces arginine, which is basic and polar, with cysteine, which is neutral and slightly polar, at codon 490 of the WHRN protein (p.Arg490Cys). This variant is present in population databases (rs769494605, gnomAD 0.01%), including at least one homozygous and/or hemizygous individual. This variant has not been reported in the literature in individuals affected with WHRN-related conditions. ClinVar contains an entry for this variant (Variation ID: 1004358). Algorithms developed to predict the effect of missense changes on protein structure and function output the following: SIFT: "Deleterious"; PolyPhen-2: "Benign"; Align-GVGD: "Class C25". The cysteine amino acid residue is found in multiple mammalian species, which suggests that this missense change does not adversely affect protein function. In summary, the available evidence is currently insufficient to determine the role of this variant in disease. Therefore, it has been classified as a Variant of Uncertain Significance.